The following is an entry in ClinVar:

ClinVar aggregate classification (germline): Uncertain significance (1 of 4 stars; one submission).

gnomAD v4.1: 2 of 1,614,058 alleles (0.00012%); highest among the groups gnomAD compares: South Asian, 0.0011%; no homozygotes.

Submission:

Labcorp Genetics (formerly Invitae), Labcorp
Classification: Uncertain significance. Last evaluated: 2025-09-03. Review status: criteria provided, single submitter. Criteria: Invitae Variant Classification Sherloc (09022015). Collection method: clinical testing. Allele origin: germline.
Comment: This sequence change replaces asparagine, which is neutral and polar, with lysine, which is basic and polar, at codon 1971 of the POLE protein (p.Asn1971Lys). This variant is not present in population databases (gnomAD no frequency). This variant has not been reported in the literature in individuals affected with POLE-related conditions. Invitae Evidence Modeling of protein sequence and biophysical properties (such as structural, functional, and spatial information, amino acid conservation, physicochemical variation, residue mobility, and thermodynamic stability) indicates that this missense variant is not expected to disrupt POLE protein function with a negative predictive value of 80%. In summary, the available evidence is currently insufficient to determine the role of this variant in disease. Therefore, it has been classified as a Variant of Uncertain Significance.

NM_006231.4(POLE):c.5913C>A (p.Asn1971Lys)

Gene: POLE (DNA polymerase epsilon, catalytic subunit; minus strand). Cytogenetic location: 12q24.33.
Variant type: single nucleotide variant.
Coding change: c.5913C>A on transcript NM_006231.4 (MANE Select); coding-DNA position 5913, C replaced by A.
Protein change: p.Asn1971Lys; replaces asparagine 1971 with lysine.
Molecular consequence: missense variant.
Genome position (GRCh38, 1-based): chr12:132,634,277, G>T on the plus strand (C>A on the coding strand, the complement: POLE is on the minus strand). VCF-style: chr12-132634277-G-T. GRCh37 (hg19) VCF-style: chr12-133210863-G-T.
Other names: short protein forms N1971K.
Identifiers: ClinVar variation 4731711 (VCV004731711.1).
Genomic context (GRCh38, chr12:132,634,277, plus strand): 5'-GGAGGCTGCCTGTGGCAAAAACTGCAAAATGTTCCAGTTGTTTTCCAGTAAATCCTCCAC[G>T]TTGGATTCCTCCGCCTCTTCCTCCTCCTCCCCATCTCTTTCCTCCTCATCGTCCTCATTT-3'
Protein context (NP_006222.2, residues 1961-1981): GEEEEEAEES[Asn1971Lys]VEDLLENNWN